The following is an entry in ClinVar:

NM_001242896.3(DEPDC5):c.1465_1466del (p.His490fs)

Gene: DEPDC5 (DEP domain containing 5, GATOR1 subcomplex subunit; plus strand). Cytogenetic location: 22q12.3.
Variant type: Microsatellite.
Coding change: c.1465_1466del on transcript NM_001242896.3 (MANE Select); coding-DNA positions 1465 to 1466, 2 bases deleted (AG; older notation c.1465_1466delAG).
Protein change: p.His490fs; shifts the reading frame from histidine 490.
Molecular consequence: frameshift variant. On other transcripts: non-coding transcript variant (5).
Genome position (GRCh38, 1-based): chr22:31,815,011-31,815,012, AG deleted; deleting any 2 consecutive bases within chr22:31,815,006-31,815,012 gives the same sequence; the c. name uses the placement nearest the transcript's 3' end. VCF-style (leftmost placement, unchanged base first): chr22-31815005-CGA-C. GRCh37 (hg19) VCF-style: chr22-32210991-CGA-C.
Other names: c.1465_1466del, p.His490fs (NM_001007188.4, NM_001136029.4, NM_001242897.2 and 7 more transcripts); c.1381_1382del, p.His462fs (NM_001369901.1, NM_001369902.1); short protein forms H462fs, H490fs.
Identifiers: ClinVar variation 2067137 (VCV002067137.7), dbSNP rs2519248264, ClinGen allele CA2580615297.

ClinVar aggregate classification (germline): Pathogenic/Likely pathogenic. Review status: criteria provided, multiple submitters, no conflicts (2 of 4 stars). 3 submissions from 3 submitters: Pathogenic (2); Likely pathogenic (1). Last evaluated 2023-10-20.

Conditions:
Familial focal epilepsy with variable foci (FPEVF). Identifiers: Orphanet 98820, MedGen C1858477, MONDO:0020310.
Epilepsy, familial focal, with variable foci 1 (FFEVF1). Also called: DEPDC5-Related Epilepsy. Identifiers: MedGen C4551983, MONDO:0024556, OMIM 604364.

Submissions (3):

New York Genome Center
Classification: Likely pathogenic for Epilepsy, familial focal, with variable foci 1. Last evaluated: 2023-10-20. Review status: criteria provided, single submitter. Criteria: NYGC Assertion Criteria 2020. Collection method: clinical testing. Allele origin: inherited. Observed: 1 variant allele, 1 heterozygote.
Comment: The c.1465_1466del variant in DEPDC5 has not previously been reported in the literature; it has been deposited in ClinVar [ClinVar ID: 2067137] as Pathogenic by a single submitter with affected status not provided. The c.1465_1466del variant is absent from population databases (gnomAD v2.1.1 and v3.1.2, TOPMed Freeze 8, All of Us), suggesting it is not a common benign variant in the populations represented in those databases. The c.1465_1466del variant in DEPDC5 is located in exon 21 of this 43-exon gene, predicted to cause a shift in the open reading frame and incorporate a premature termination codon (p.(His490GlnfsTer9)), and is expected to result in loss-of-function via nonsense mediated decay. Based on available evidence, this heterozygous inherited c.1465_1466del p.(His490GlnfsTer9) variant identified in DEPDC5 is classified as Likely pathogenic.

Labcorp Genetics (formerly Invitae), Labcorp
Classification: Pathogenic for Familial focal epilepsy with variable foci. Last evaluated: 2022-02-04. Review status: criteria provided, single submitter. Criteria: Invitae Variant Classification Sherloc (09022015). Collection method: clinical testing. Allele origin: germline.
Comment: This sequence change creates a premature translational stop signal (p.His490Glnfs*9) in the DEPDC5 gene. It is expected to result in an absent or disrupted protein product. Loss-of-function variants in DEPDC5 are known to be pathogenic (PMID: 23542697, 23542701). This variant is not present in population databases (gnomAD no frequency). This variant has not been reported in the literature in individuals affected with DEPDC5-related conditions. For these reasons, this variant has been classified as Pathogenic.

Juno Genomics, Hangzhou Juno Genomics, Inc
Classification: Pathogenic for Epilepsy, familial focal, with variable foci 1. Review status: criteria provided, single submitter. Criteria: ACMG Guidelines, 2015. Collection method: clinical testing. Allele origin: germline. Affected: yes.
Comment: Null variant in a gene where loss of function (LOF) is a known mechanism of disease.;Absent from controls (or at extremely low frequency if recessive) in Genome Aggregation Database, Exome Sequencing Project, 1000 Genomes Project, or Exome Aggregation Consortium.;Patient's phenotype or family history is highly specific for a disease with a single genetic etiology.

Literature cited by the submitters: PubMed 23542697 (cited by Labcorp Genetics (formerly Invitae), Labcorp); PubMed 23542701 (cited by Labcorp Genetics (formerly Invitae), Labcorp).